The following is an entry in ClinVar:

NM_005032.7(PLS3):c.935A>C (p.Lys312Thr)

Gene: PLS3 (plastin 3; plus strand). Cytogenetic location: Xq23.
Variant type: single nucleotide variant.
Coding change: c.935A>C on transcript NM_005032.7 (MANE Select); coding-DNA position 935, A replaced by C.
Protein change: p.Lys312Thr; replaces lysine 312 with threonine.
Molecular consequence: missense variant.
Genome position (GRCh38, 1-based): chrX:115,640,451, A>C. VCF-style: chrX-115640451-A-C. GRCh37 (hg19) VCF-style: chrX-114874763-A-C.
Other names: c.935A>C, p.Lys312Thr (NM_001136025.5); c.854A>C, p.Lys285Thr (NM_001172335.3); c.896A>C, p.Lys299Thr (NM_001282337.2); c.800A>C, p.Lys267Thr (NM_001282338.2); short protein forms K299T, K312T, K267T, K285T.
Identifiers: ClinVar variation 2695078 (VCV002695078.3), dbSNP rs2521498924, ClinGen allele CA414334778.

ClinVar aggregate classification (germline): Uncertain significance (1 of 4 stars; one submission).

Submission:

Labcorp Genetics (formerly Invitae), Labcorp
Classification: Uncertain significance. Last evaluated: 2023-11-19. Review status: criteria provided, single submitter. Criteria: Invitae Variant Classification Sherloc (09022015). Collection method: clinical testing. Allele origin: germline.
Comment: This sequence change replaces lysine, which is basic and polar, with threonine, which is neutral and polar, at codon 312 of the PLS3 protein (p.Lys312Thr). This variant is not present in population databases (gnomAD no frequency). This variant has not been reported in the literature in individuals affected with PLS3-related conditions. Advanced modeling of protein sequence and biophysical properties (such as structural, functional, and spatial information, amino acid conservation, physicochemical variation, residue mobility, and thermodynamic stability) performed at Invitae indicates that this missense variant is not expected to disrupt PLS3 protein function with a negative predictive value of 80%. In summary, the available evidence is currently insufficient to determine the role of this variant in disease. Therefore, it has been classified as a Variant of Uncertain Significance.